The following is an entry in ClinVar:

ClinVar aggregate classification (germline): Uncertain significance (1 of 4 stars; one submission).

Conditions:
Hereditary pancreatitis (PCTT). Also called: Hereditary chronic pancreatitis; PRSS1-Related Hereditary Pancreatitis. Identifiers: Orphanet 676, MedGen C0238339, MONDO:0008185, OMIM 167800.

Submission:

Ambry Genetics
Classification: Uncertain significance for Hereditary pancreatitis. Last evaluated: 2022-09-12. Review status: criteria provided, single submitter. Criteria: Ambry Variant Classification Scheme 2023. Collection method: clinical testing. Allele origin: germline.
Comment: The p.S149N variant (also known as c.446G>A), located in coding exon 3 of the PRSS1 gene, results from a G to A substitution at nucleotide position 446. The serine at codon 149 is replaced by asparagine, an amino acid with highly similar properties. This amino acid position is conserved. In addition, the in silico prediction for this alteration is inconclusive. Since supporting evidence is limited at this time, the clinical significance of this alteration remains unclear.

NM_002769.5(PRSS1):c.446G>A (p.Ser149Asn)

Genes: TRB (T cell receptor beta locus; plus strand), PRSS1 (serine protease 1; plus strand). Cytogenetic location: 7q34.
Variant type: single nucleotide variant.
Coding change: c.446G>A on transcript NM_002769.5 (MANE Select); coding-DNA position 446, G replaced by A.
Protein change: p.Ser149Asn; replaces serine 149 with asparagine.
Molecular consequence: missense variant. On other transcripts: non-coding transcript variant (5).
Genome position (GRCh38, 1-based): chr7:142,752,019, G>A. VCF-style: chr7-142752019-G-A. GRCh37 (hg19) VCF-style: chr7-142459870-G-A.
Other names: short protein forms S149N.
Identifiers: ClinVar variation 1740819 (VCV001740819.2), dbSNP rs1209417221, ClinGen allele CA369609243.